The following is an entry in ClinVar:

ClinVar aggregate classification (germline): Uncertain significance (1 of 4 stars; one submission).

Conditions:
Familial cold autoinflammatory syndrome 4 (FCAS4). Identifiers: Orphanet 47045, Orphanet 576349, MedGen C4015276, MONDO:0014498, OMIM 616115.
Periodic fever-infantile enterocolitis-autoinflammatory syndrome. Also called: Autoinflammation with infantile enterocolitis. Identifiers: Orphanet 436166, MedGen C4015067, MONDO:0014472, OMIM 616050.

Allele frequency attached by ClinVar (database versions not stated): ExAC 0.00001; gnomAD exomes below 0.00001; gnomAD 0.00001.
gnomAD v4.1: 3 of 1,614,062 alleles (0.00019%); highest among the groups gnomAD compares: Admixed American, 0.005%; no homozygotes.

Submission:

Labcorp Genetics (formerly Invitae), Labcorp
Classification: Uncertain significance for Periodic fever-infantile enterocolitis-autoinflammatory syndrome; Familial cold autoinflammatory syndrome 4. Last evaluated: 2025-05-07. Review status: criteria provided, single submitter. Criteria: Invitae Variant Classification Sherloc (09022015). Collection method: clinical testing. Allele origin: germline.
Comment: This sequence change replaces lysine, which is basic and polar, with asparagine, which is neutral and polar, at codon 613 of the NLRC4 protein (p.Lys613Asn). This variant is present in population databases (rs763616041, gnomAD 0.003%). This variant has not been reported in the literature in individuals affected with NLRC4-related conditions. ClinVar contains an entry for this variant (Variation ID: 1425434). Invitae Evidence Modeling of protein sequence and biophysical properties (such as structural, functional, and spatial information, amino acid conservation, physicochemical variation, residue mobility, and thermodynamic stability) indicates that this missense variant is expected to disrupt NLRC4 protein function with a positive predictive value of 80%. In summary, the available evidence is currently insufficient to determine the role of this variant in disease. Therefore, it has been classified as a Variant of Uncertain Significance.

NM_001199138.2(NLRC4):c.1839A>C (p.Lys613Asn)

Gene: NLRC4 (NLR family CARD domain containing 4; minus strand). Cytogenetic location: 2p22.3.
Variant type: single nucleotide variant.
Coding change: c.1839A>C on transcript NM_001199138.2 (MANE Select); coding-DNA position 1839, A replaced by C.
Protein change: p.Lys613Asn; replaces lysine 613 with asparagine.
Molecular consequence: missense variant. On other transcripts: intron variant (1).
Genome position (GRCh38, 1-based): chr2:32,250,025, T>G on the plus strand (A>C on the coding strand, the complement: NLRC4 is on the minus strand). VCF-style: chr2-32250025-T-G. GRCh37 (hg19) VCF-style: chr2-32475094-T-G.
Other names: c.1839A>C, p.Lys613Asn (NM_001199139.2, NM_021209.5); c.262+2394A>C (NM_001302504.1); short protein forms K613N.
Identifiers: ClinVar variation 1425434 (VCV001425434.8), dbSNP rs763616041, ClinGen allele CA1601914.